The following is an entry in ClinVar:

ClinVar aggregate classification (germline): Uncertain significance (1 of 4 stars; one submission).

Allele frequency attached by ClinVar (database versions not stated): gnomAD 0.00001; gnomAD exomes 0.00001; TOPMed 0.00003; ExAC 0.00004.
gnomAD v4.1: 22 of 1,613,684 alleles (0.0014%); highest among the groups gnomAD compares: South Asian, 0.0033%; no homozygotes.

Submission:

Labcorp Genetics (formerly Invitae), Labcorp
Classification: Uncertain significance. Last evaluated: 2025-02-09. Review status: criteria provided, single submitter. Criteria: Invitae Variant Classification Sherloc (09022015). Collection method: clinical testing. Allele origin: germline.
Comment: This sequence change replaces alanine, which is neutral and non-polar, with valine, which is neutral and non-polar, at codon 1661 of the KMT2E protein (p.Ala1661Val). This variant is present in population databases (rs746804446, gnomAD 0.01%). This variant has not been reported in the literature in individuals affected with KMT2E-related conditions. ClinVar contains an entry for this variant (Variation ID: 2026579). An algorithm developed to predict the effect of missense changes on protein structure and function (PolyPhen-2) suggests that this variant is likely to be disruptive. In summary, the available evidence is currently insufficient to determine the role of this variant in disease. Therefore, it has been classified as a Variant of Uncertain Significance.

NM_182931.3(KMT2E):c.4982C>T (p.Ala1661Val)

Gene: KMT2E (lysine methyltransferase 2E (inactive); plus strand). Cytogenetic location: 7q22.3.
Variant type: single nucleotide variant.
Coding change: c.4982C>T on transcript NM_182931.3 (MANE Select); coding-DNA position 4982, C replaced by T.
Protein change: p.Ala1661Val; replaces alanine 1661 with valine.
Molecular consequence: missense variant.
Genome position (GRCh38, 1-based): chr7:105,112,738, C>T. VCF-style: chr7-105112738-C-T. GRCh37 (hg19) VCF-style: chr7-104753185-C-T.
Other names: c.4856C>T, p.Ala1619Val (NM_001410908.1); c.4982C>T, p.Ala1661Val (NM_018682.4); short protein forms A1619V, A1661V.
Identifiers: ClinVar variation 2026579 (VCV002026579.4), dbSNP rs746804446, ClinGen allele CA4424870.